The following is an entry in ClinVar:

ClinVar aggregate classification (germline): Uncertain significance (1 of 4 stars; one submission).

Conditions:
Cardiovascular phenotype. Identifiers: MedGen CN230736.

Submission:

Ambry Genetics
Classification: Uncertain significance for Cardiovascular phenotype. Last evaluated: 2023-09-13. Review status: criteria provided, single submitter. Criteria: Ambry Variant Classification Scheme 2023. Collection method: clinical testing. Allele origin: germline.
Comment: The p.E1626K variant (also known as c.4876G>A), located in coding exon 32 of the MYH7 gene, results from a G to A substitution at nucleotide position 4876. The glutamic acid at codon 1626 is replaced by lysine, an amino acid with similar properties. This amino acid position is highly conserved in available vertebrate species. In addition, this alteration is predicted to be deleterious by in silico analysis. Since supporting evidence is limited at this time, the clinical significance of this alteration remains unclear.

NM_000257.4(MYH7):c.4876G>A (p.Glu1626Lys)

Genes: MHRT (myosin heavy chain associated RNA transcript; plus strand), MYH7 (myosin heavy chain 7; minus strand), LOC126861897 (BRD4-independent group 4 enhancer GRCh37_chr14:23884455-23885654; plus strand). Cytogenetic location: 14q11.2.
Variant type: single nucleotide variant.
Coding change: c.4876G>A on transcript NM_000257.4 (MANE Select); coding-DNA position 4876, G replaced by A.
Protein change: p.Glu1626Lys; replaces glutamic acid 1626 with lysine.
Molecular consequence: missense variant. On other transcripts: non-coding transcript variant (1).
Genome position (GRCh38, 1-based): chr14:23,416,081, C>T on the plus strand (G>A on the coding strand, the complement: MYH7 is on the minus strand). VCF-style: chr14-23416081-C-T. GRCh37 (hg19) VCF-style: chr14-23885290-C-T.
Other names: c.4876G>A, p.Glu1626Lys (NM_001407004.1); short protein forms E1626K.
Identifiers: ClinVar variation 2625317 (VCV002625317.2), dbSNP rs1333419431, ClinGen allele CA389037449.